The following is an entry in ClinVar:

ClinVar aggregate classification (germline): Uncertain significance. Review status: criteria provided, multiple submitters, no conflicts (2 of 4 stars). 2 submissions from 2 submitters: Uncertain significance (2). Last evaluated 2025-08-25.

Conditions:
Hereditary pancreatitis (PCTT). Also called: Hereditary chronic pancreatitis; PRSS1-Related Hereditary Pancreatitis. Identifiers: Orphanet 676, MedGen C0238339, MONDO:0008185, OMIM 167800.

Allele frequency attached by ClinVar (database versions not stated): gnomAD 0.00001; TOPMed 0.00001.

Submissions (2):

Ambry Genetics
Classification: Uncertain significance for Hereditary pancreatitis. Last evaluated: 2025-08-25. Review status: criteria provided, single submitter. Criteria: Ambry Variant Classification Scheme 2023. Collection method: clinical testing. Allele origin: germline.
Comment: The p.A184V variant (also known as c.551C>T), located in coding exon 6 of the CTRC gene, results from a C to T substitution at nucleotide position 551. The alanine at codon 184 is replaced by valine, an amino acid with similar properties. This amino acid position is conserved. In addition, this alteration is predicted to be tolerated by in silico analysis. Since supporting evidence is limited at this time, the clinical significance of this alteration remains unclear.

Labcorp Genetics (formerly Invitae), Labcorp
Classification: Uncertain significance for Hereditary pancreatitis. Last evaluated: 2025-03-19. Review status: criteria provided, single submitter. Criteria: Invitae Variant Classification Sherloc (09022015). Collection method: clinical testing. Allele origin: germline.
Comment: This sequence change replaces alanine, which is neutral and non-polar, with valine, which is neutral and non-polar, at codon 184 of the CTRC protein (p.Ala184Val). This variant is not present in population databases (gnomAD no frequency). This variant has not been reported in the literature in individuals affected with CTRC-related conditions. ClinVar contains an entry for this variant (Variation ID: 1748073). Invitae Evidence Modeling of protein sequence and biophysical properties (such as structural, functional, and spatial information, amino acid conservation, physicochemical variation, residue mobility, and thermodynamic stability) has been performed for this missense variant. However, the output from this modeling did not meet the statistical confidence thresholds required to predict the impact of this variant on CTRC protein function. In summary, the available evidence is currently insufficient to determine the role of this variant in disease. Therefore, it has been classified as a Variant of Uncertain Significance.

NM_007272.3(CTRC):c.551C>T (p.Ala184Val)

Gene: CTRC (chymotrypsin C; plus strand). Cytogenetic location: 1p36.21.
Variant type: single nucleotide variant.
Coding change: c.551C>T on transcript NM_007272.3 (MANE Select); coding-DNA position 551, C replaced by T.
Protein change: p.Ala184Val; replaces alanine 184 with valine.
Molecular consequence: missense variant.
Genome position (GRCh38, 1-based): chr1:15,444,663, C>T. VCF-style: chr1-15444663-C-T. GRCh37 (hg19) VCF-style: chr1-15771158-C-T.
Other names: short protein forms A184V.
Identifiers: ClinVar variation 1748073 (VCV001748073.5), dbSNP rs1176756823, ClinGen allele CA338567138.
Genomic context (GRCh38, chr1:15,444,663, plus strand): 5'-CAGCCAACGGCCCCATTGCTGATAAGCTGCAGCAGGGCCTGCAGCCCGTGGTGGATCACG[C>T]CACGTGCTCCAGGATTGACTGGTGGGGCTTCAGGGTGAAGAAAACCATGGTGTGCGCTGG-3'
Protein context (NP_009203.2, residues 174-194): QQGLQPVVDH[Ala184Val]TCSRIDWWGF